The following is an entry in ClinVar:

ClinVar aggregate classification (germline): Benign/Likely benign. Review status: criteria provided, multiple submitters, no conflicts (2 of 4 stars). 3 submissions from 3 submitters: Benign (1); Likely benign (1). 1 of the submissions does not count toward it. Last evaluated 2026-01-23.

Conditions:
PIGM-related disorder. Also called: PIGM-related condition.
Hypercoagulability syndrome due to glycosylphosphatidylinositol deficiency (GPIBD1). Also called: GLYCOSYLPHOSPHATIDYLINOSITOL BIOSYNTHESIS DEFECT 1. Identifiers: Orphanet 83639, MedGen C5201145, MONDO:0012465, OMIM 610293.

Allele frequency attached by ClinVar (database versions not stated): ESP Exome Variant Server 0.00008; gnomAD exomes 0.00037 and 0.00083; 1000 Genomes Project 0.00040; 1000 Genomes Project 30x 0.00047; ExAC 0.00058; gnomAD 0.00072; TOPMed 0.00094.

Submissions (3):

Labcorp Genetics (formerly Invitae), Labcorp
Classification: Benign for Hypercoagulability syndrome due to glycosylphosphatidylinositol deficiency. Last evaluated: 2026-01-23. Review status: criteria provided, single submitter. Criteria: Invitae Variant Classification Sherloc (09022015). Collection method: clinical testing. Allele origin: germline.

CeGaT Center for Human Genetics Tuebingen
Classification: Likely benign. Last evaluated: 2025-10-01. Review status: criteria provided, single submitter. Criteria: CeGaT Center For Human Genetics Tuebingen Variant Classification Criteria Version 2. Collection method: clinical testing. Allele origin: germline. Affected: yes. Observed: 2 variant alleles.
Comment: PIGM: BP4, BP7

PreventionGenetics, part of Exact Sciences
Classification: Likely benign for PIGM-related condition. Last evaluated: 2024-04-04. Review status: no assertion criteria provided. Collection method: clinical testing. Allele origin: germline. Not counted in ClinVar's aggregate classification.
Comment: This variant is classified as likely benign based on ACMG/AMP sequence variant interpretation guidelines (Richards et al. 2015 PMID: 25741868, with internal and published modifications).

NM_145167.3(PIGM):c.999C>T (p.Ser333=)

Gene: PIGM (phosphatidylinositol glycan anchor biosynthesis class M; minus strand). Cytogenetic location: 1q23.2.
Variant type: single nucleotide variant.
Coding change: c.999C>T on transcript NM_145167.3 (MANE Select); coding-DNA position 999, C replaced by T.
Protein change: p.Ser333=; no amino-acid change (serine 333 retained).
Molecular consequence: synonymous variant.
Genome position (GRCh38, 1-based): chr1:160,030,741, G>A on the plus strand (C>T on the coding strand, the complement: PIGM is on the minus strand). VCF-style: chr1-160030741-G-A. GRCh37 (hg19) VCF-style: chr1-160000531-G-A.
Other names: c.999C>T (NM_145167.2).
Identifiers: ClinVar variation 1170560 (VCV001170560.34), dbSNP rs187311473, ClinGen allele CA1192943.